The following is an entry in ClinVar:

ClinVar aggregate classification (germline): Uncertain significance (1 of 4 stars; one submission).

Conditions:
Inborn genetic diseases. Identifiers: MedGen C0950123, MeSH D030342.

gnomAD v4.1: 1 of 1,607,974 alleles (0.000062%); highest among the groups gnomAD compares: South Asian, 0.0011%; no homozygotes.

Submission:

Ambry Genetics
Classification: Uncertain significance for Inborn genetic diseases. Last evaluated: 2025-05-31. Review status: criteria provided, single submitter. Criteria: Ambry Variant Classification Scheme 2023. Collection method: clinical testing. Allele origin: germline.
Comment: The p.A585V variant (also known as c.1754C>T), located in coding exon 12 of the ERCC6L2 gene, results from a C to T substitution at nucleotide position 1754. The alanine at codon 585 is replaced by valine, an amino acid with similar properties. This amino acid position is conserved. In addition, this alteration is predicted to be deleterious by in silico analysis. Based on the available evidence, the clinical significance of this variant remains unclear.

NM_020207.7(ERCC6L2):c.1754C>T (p.Ala585Val)

Gene: ERCC6L2 (ERCC excision repair 6 like 2; plus strand). Cytogenetic location: 9q22.32.
Variant type: single nucleotide variant.
Coding change: c.1754C>T on transcript NM_020207.7 (MANE Select); coding-DNA position 1754, C replaced by T.
Protein change: p.Ala585Val; replaces alanine 585 with valine.
Molecular consequence: missense variant. On other transcripts: non-coding transcript variant (1).
Genome position (GRCh38, 1-based): chr9:95,941,456, C>T. VCF-style: chr9-95941456-C-T. GRCh37 (hg19) VCF-style: chr9-98703738-C-T.
Other names: c.1754C>T, p.Ala585Val (NM_001010895.4, NM_001375291.1, NM_001375292.1 and 2 more transcripts); short protein forms A585V.
Identifiers: ClinVar variation 4019389 (VCV004019389.1).